The following is an entry in ClinVar:

NM_000485.3(APRT):c.454G>T (p.Glu152Ter)

Gene: APRT (adenine phosphoribosyltransferase; minus strand). Cytogenetic location: 16q24.3.
Variant type: single nucleotide variant.
Coding change: c.454G>T on transcript NM_000485.3 (MANE Select); coding-DNA position 454, G replaced by T.
Protein change: p.Glu152Ter; replaces glutamic acid 152 with a stop codon.
Molecular consequence: nonsense. On other transcripts: intron variant (1).
Genome position (GRCh38, 1-based): chr16:88,809,787, C>A on the plus strand (G>T on the coding strand, the complement: APRT is on the minus strand). VCF-style: chr16-88809787-C-A. GRCh37 (hg19) VCF-style: chr16-88876195-C-A.
Other names: c.401-81G>T (NM_001030018.2); short protein forms E152*.
Identifiers: ClinVar variation 4850468 (VCV004850468.1).

ClinVar aggregate classification (germline): Likely pathogenic (1 of 4 stars; one submission).

Conditions:
Adenine phosphoribosyltransferase deficiency (APRTD). Also called: APRT DEFICIENCY; NEPHROLITHIASIS, DHA; Urolithiasis, dha; 2,8-dihydroxyadenine urolithiasis. Identifiers: Orphanet 976, MedGen C0268120, MONDO:0013869, OMIM 614723.

Submission:

First Genomix Gene Laboratory, Genetic Diagnostics Department
Classification: Likely pathogenic for Adenine phosphoribosyltransferase deficiency. Last evaluated: 2025-09-26. Review status: criteria provided, single submitter. Criteria: ACMG Guidelines, 2015. Collection method: clinical testing. Allele origin: germline. Inheritance: Autosomal recessive inheritance. Affected: no. Observed: 1 variant allele.